The following is an entry in ClinVar:

NM_007294.4(BRCA1):c.2524dup (p.Glu842fs)

Gene: BRCA1 (BRCA1 DNA repair associated; minus strand). Cytogenetic location: 17q21.31.
Variant type: Duplication.
Coding change: c.2524dup on transcript NM_007294.4 (MANE Select); coding-DNA position 2524, one base duplicated (G; older notation c.2524dupG).
Protein change: p.Glu842fs; shifts the reading frame from glutamic acid 842.
Molecular consequence: frameshift variant. On other transcripts: intron variant (137).
Genome position (GRCh38, 1-based): chr17:43,093,007, C duplicated on the plus strand (G on the coding strand, the reverse complement: BRCA1 is on the minus strand); the first of 3 consecutive C bases (chr17:43,093,007-43,093,009); duplicating any one gives the same sequence. VCF-style (leftmost placement, unchanged base first): chr17-43093006-T-TC. GRCh37 (hg19) VCF-style: chr17-41245023-T-TC.
Other names: 2643insG; c.2524dup, p.Glu842fs (NM_007294.3, NM_001407581.1, NM_001407582.1 and 31 more transcripts); c.787+1737dup (NM_001407970.1, NM_001407980.1, NM_001407993.1 and 17 more transcripts); c.2311dup, p.Glu771fs (NM_001407571.1, NM_001407853.1, NM_001407894.1 and 9 more transcripts); c.2521dup, p.Glu841fs (NM_001407587.1, NM_001407590.1, NM_001407591.1 and 22 more transcripts); c.2515dup, p.Glu839fs (NM_001407646.1, NM_001407647.1); c.2401dup, p.Glu801fs (NM_001407648.1, NM_001407664.1, NM_001407665.1 and 19 more transcripts); c.2398dup, p.Glu800fs (NM_001407649.1, NM_001407670.1, NM_001407671.1 and 11 more transcripts); and 42 more; short protein forms E795fs, E842fs, E714fs, E731fs, E754fs, E800fs, E801fs, E815fs.
Identifiers: ClinVar variation 266272 (VCV000266272.17), dbSNP rs886040045, ClinGen allele CA10589843.
Genomic context (GRCh38, chr17:43,093,006, plus strand): 5'-TTGAATGTATTCTGCAAATACTGAGCATCAAGTTCACTTTCTTCCATTTCTATGCTTGTT[T>TC]CCCGACTGTGGTTAACTTCATGTCCCAATGGATACTTAAAGCCTTCTGTGTCATTTCTAT-3'

ClinVar aggregate classification (germline): Pathogenic. Review status: reviewed by expert panel (3 of 4 stars). 4 submissions from 4 submitters: Pathogenic (1). 3 of the submissions do not count toward it. Last evaluated 2016-10-18.

Conditions:
Hereditary breast ovarian cancer syndrome. Also called: Hereditary breast and ovarian cancer syndrome (HBOC); Breast and ovarian cancer; Hereditary breast and ovarian cancer syndrome; Hereditary breast and ovarian cancer; BRCA1- and BRCA2-Associated Hereditary Breast and Ovarian Cancer; Hereditary breast and/or ovarian cancer syndrome. Identifiers: Orphanet 145, MedGen C0677776, MeSH D061325, MONDO:0003582. Disease mechanism: loss of function.
Breast-ovarian cancer, familial, susceptibility to, 1 (BROVCA1). Also called: BRCA1 Hereditary Breast and Ovarian Cancer; OVARIAN CANCER, SUSCEPTIBILITY TO. Identifiers: Orphanet 145, MedGen C2676676, MONDO:0011450, OMIM 604370. Disease mechanism: loss of function.

Submissions (4):

Evidence-based Network for the Interpretation of Germline Mutant Alleles (ENIGMA)
Classification: Pathogenic for Breast-ovarian cancer, familial, susceptibility to, 1. Last evaluated: 2016-10-18. Review status: reviewed by expert panel. Criteria: ENIGMA BRCA1/2 Classification Criteria (2015). Collection method: curation. Allele origin: germline.
Comment: Variant allele predicted to encode a truncated non-functional protein.

Labcorp Genetics (formerly Invitae), Labcorp
Classification: Pathogenic for Hereditary breast ovarian cancer syndrome. Last evaluated: 2025-08-13. Review status: criteria provided, single submitter. Criteria: Invitae Variant Classification Sherloc (09022015). Collection method: clinical testing. Allele origin: germline. Not counted in ClinVar's aggregate classification.
Comment: This sequence change creates a premature translational stop signal (p.Glu842Glyfs*10) in the BRCA1 gene. It is expected to result in an absent or disrupted protein product. Loss-of-function variants in BRCA1 are known to be pathogenic (PMID: 20104584). This variant is not present in population databases (gnomAD no frequency). This premature translational stop signal has been observed in individual(s) with ovarian cancer (PMID: 18559594, 21520333, 28176296). This variant is also known as 2644insG. ClinVar contains an entry for this variant (Variation ID: 266272). For these reasons, this variant has been classified as Pathogenic.

Center for Genomic Medicine, Rigshospitalet, Copenhagen University Hospital
Classification: Pathogenic. Last evaluated: 2025-03-04. Review status: criteria provided, single submitter. Criteria: ACMG Guidelines, 2015. Collection method: clinical testing. Allele origin: germline. Not counted in ClinVar's aggregate classification.

Consortium of Investigators of Modifiers of BRCA1/2 (CIMBA), c/o University of Cambridge
Classification: Pathogenic for Breast-ovarian cancer, familial, susceptibility to, 1. Last evaluated: 2015-10-02. Review status: criteria provided, single submitter. Criteria: CIMBA Mutation Classification guidelines May 2016. Collection method: clinical testing. Allele origin: germline. Not counted in ClinVar's aggregate classification.

Literature cited by the submitters: PubMed 20104584 (cited by Labcorp Genetics (formerly Invitae), Labcorp); PubMed 18559594 (cited by Labcorp Genetics (formerly Invitae), Labcorp); PubMed 21520333 (cited by Labcorp Genetics (formerly Invitae), Labcorp); PubMed 28176296 (cited by Labcorp Genetics (formerly Invitae), Labcorp).